The following is an entry in ClinVar:

NM_001040142.2(SCN2A):c.5903C>G (p.Ser1968Cys)

Gene: SCN2A (sodium voltage-gated channel alpha subunit 2; plus strand). Cytogenetic location: 2q24.3.
Variant type: single nucleotide variant.
Coding change: c.5903C>G on transcript NM_001040142.2 (MANE Select); coding-DNA position 5903, C replaced by G.
Protein change: p.Ser1968Cys; replaces serine 1968 with cysteine.
Molecular consequence: missense variant.
Genome position (GRCh38, 1-based): chr2:165,389,709, C>G. VCF-style: chr2-165389709-C-G. GRCh37 (hg19) VCF-style: chr2-166246219-C-G.
Other names: c.5903C>G, p.Ser1968Cys (NM_001040143.2, NM_001371246.1, NM_001371247.1 and 1 more transcripts); short protein forms S1968C.
Identifiers: ClinVar variation 642272 (VCV000642272.12), dbSNP rs773545024, ClinGen allele CA1940443.

ClinVar aggregate classification (germline): Uncertain significance. Review status: criteria provided, multiple submitters, no conflicts (2 of 4 stars). 2 submissions from 2 submitters: Uncertain significance (2). Last evaluated 2026-01-26.

Conditions:
Seizures, benign familial infantile, 3 (BFIS3). Also called: CONVULSIONS, BENIGN FAMILIAL INFANTILE, 3; Familial neonatal seizures. Identifiers: Orphanet 140927, Orphanet 306, MedGen C1843140, MONDO:0011904, OMIM 607745.
Developmental and epileptic encephalopathy, 11 (DEE11). Also called: Early infantile epileptic encephalopathy 11. Identifiers: Orphanet 1934, MedGen C3150987, MONDO:0013388, OMIM 613721.

Allele frequency attached by ClinVar (database versions not stated): gnomAD exomes below 0.00001; ExAC 0.00001; TOPMed 0.00001.
gnomAD v4.1: 3 of 1,613,922 alleles (0.00019%); highest among the groups gnomAD compares: Admixed American, 0.0017%; no homozygotes.

Submissions (2):

Labcorp Genetics (formerly Invitae), Labcorp
Classification: Uncertain significance for Seizures, benign familial infantile, 3; Developmental and epileptic encephalopathy, 11. Last evaluated: 2026-01-26. Review status: criteria provided, single submitter. Criteria: Invitae Variant Classification Sherloc (09022015). Collection method: clinical testing. Allele origin: germline.
Comment: This sequence change replaces serine, which is neutral and polar, with cysteine, which is neutral and slightly polar, at codon 1968 of the SCN2A protein (p.Ser1968Cys). This variant is present in population databases (rs773545024, gnomAD 0.003%). This variant has not been reported in the literature in individuals affected with SCN2A-related conditions. ClinVar contains an entry for this variant (Variation ID: 642272). Invitae Evidence Modeling of protein sequence and biophysical properties (such as structural, functional, and spatial information, amino acid conservation, physicochemical variation, residue mobility, and thermodynamic stability) indicates that this missense variant is expected to disrupt SCN2A protein function with a positive predictive value of 95%. In summary, the available evidence is currently insufficient to determine the role of this variant in disease. Therefore, it has been classified as a Variant of Uncertain Significance.

GeneDx
Classification: Uncertain significance. Last evaluated: 2025-07-08. Review status: criteria provided, single submitter. Criteria: GeneDx Variant Classification Process June 2021. Collection method: clinical testing. Allele origin: germline. Affected: yes.
Comment: Not observed at significant frequency in large population cohorts (gnomAD); In silico analysis supports that this missense variant has a deleterious effect on protein structure/function; Has not been previously published as pathogenic or benign to our knowledge; This substitution is predicted to be within the C-terminal cytoplasmic domain